The following is an entry in ClinVar:

NM_002439.5(MSH3):c.1819G>A (p.Val607Met)

Gene: MSH3 (mutS homolog 3; plus strand). Cytogenetic location: 5q14.1.
Variant type: single nucleotide variant.
Coding change: c.1819G>A on transcript NM_002439.5 (MANE Select); coding-DNA position 1819, G replaced by A.
Protein change: p.Val607Met; replaces valine 607 with methionine.
Molecular consequence: missense variant.
Genome position (GRCh38, 1-based): chr5:80,761,601, G>A. VCF-style: chr5-80761601-G-A. GRCh37 (hg19) VCF-style: chr5-80057420-G-A.
Other names: short protein forms V607M.
Identifiers: ClinVar variation 951444 (VCV000951444.11), dbSNP rs1744035067, ClinGen allele CA360276577.

ClinVar aggregate classification (germline): Uncertain significance. Review status: criteria provided, multiple submitters, no conflicts (2 of 4 stars). 2 submissions from 2 submitters: Uncertain significance (2). Last evaluated 2025-04-21.

Conditions:
Hereditary cancer-predisposing syndrome. Also called: Tumor predisposition; Hereditary neoplastic syndrome; Neoplastic Syndromes, Hereditary; Hereditary Cancer Syndrome. Identifiers: Orphanet 140162, MedGen C0027672, MeSH D009386, MONDO:0015356.

Allele frequency attached by ClinVar (database versions not stated): gnomAD exomes below 0.00001.
gnomAD v4.1: 1 of 1,614,112 alleles (0.000062%); highest among the groups gnomAD compares: Admixed American, 0.0017%; no homozygotes.

Submissions (2):

Labcorp Genetics (formerly Invitae), Labcorp
Classification: Uncertain significance. Last evaluated: 2025-04-21. Review status: criteria provided, single submitter. Criteria: Invitae Variant Classification Sherloc (09022015). Collection method: clinical testing. Allele origin: germline.
Comment: This sequence change replaces valine, which is neutral and non-polar, with methionine, which is neutral and non-polar, at codon 607 of the MSH3 protein (p.Val607Met). This variant is not present in population databases (gnomAD no frequency). This variant has not been reported in the literature in individuals affected with MSH3-related conditions. ClinVar contains an entry for this variant (Variation ID: 951444). An algorithm developed to predict the effect of missense changes on protein structure and function (PolyPhen-2) suggests that this variant is likely to be tolerated. In summary, the available evidence is currently insufficient to determine the role of this variant in disease. Therefore, it has been classified as a Variant of Uncertain Significance.

Ambry Genetics
Classification: Uncertain significance for Hereditary cancer-predisposing syndrome. Last evaluated: 2024-11-08. Review status: criteria provided, single submitter. Criteria: Ambry Variant Classification Scheme 2023. Collection method: clinical testing. Allele origin: germline.
Comment: The p.V607M variant (also known as c.1819G>A), located in coding exon 13 of the MSH3 gene, results from a G to A substitution at nucleotide position 1819. The valine at codon 607 is replaced by methionine, an amino acid with highly similar properties. This amino acid position is well conserved in available vertebrate species. In addition, this alteration is predicted to be tolerated by in silico analysis. Since supporting evidence is limited at this time, the clinical significance of this alteration remains unclear.